The following is an entry in ClinVar:

NM_001165963.4(SCN1A):c.5781_5782delinsTG (p.Arg1927_Arg1928delinsSerGly)

Genes: SCN1A (sodium voltage-gated channel alpha subunit 1; minus strand), LOC102724058 (uncharacterized LOC102724058; plus strand). Cytogenetic location: 2q24.3.
Variant type: Indel.
Coding change: c.5781_5782delinsTG on transcript NM_001165963.4 (MANE Select); coding-DNA positions 5781 to 5782, AC replaced by TG.
Protein change: p.Arg1927_Arg1928delinsSerGly.
Molecular consequence: missense variant. On other transcripts: non-coding transcript variant (1).
Genome position (GRCh38, 1-based): chr2:165,991,493-165,991,494, GT replaced by CA on the plus strand (AC replaced by TG on the coding strand, the reverse complement: SCN1A is on the minus strand). VCF-style: chr2-165991493-GT-CA. GRCh37 (hg19) VCF-style: chr2-166848003-GT-CA.
Other names: c.5697_5698delinsTG, p.Arg1899_Arg1900delinsSerGly (NM_001165964.3, NM_001353957.2, NM_001353958.2); c.5781_5782delinsTG, p.Arg1927_Arg1928delinsSerGly (NM_001202435.3, NM_001353948.2); c.5748_5749delinsTG, p.Arg1916_Arg1917delinsSerGly (NM_001353949.2, NM_001353950.2, NM_001353951.2 and 2 more transcripts); c.5745_5746delinsTG, p.Arg1915_Arg1916delinsSerGly (NM_001353954.2, NM_001353955.2); c.5694_5695delinsTG, p.Arg1898_Arg1899delinsSerGly (NM_001353960.2); c.3339_3340delinsTG, p.Arg1113_Arg1114delinsSerGly (NM_001353961.2).
Identifiers: ClinVar variation 949563 (VCV000949563.10), dbSNP rs1689136140, ClinGen allele CA1139655641.
Genomic context (GRCh38, chr2:165,991,493, plus strand): 5'-TGATTTTGTTTTTATTGTACGTAAAGGAAGCTTGTTTTACAGTTCGCTTTAAAAGGTGGC[GT>CA]CTGTAAGCACGCTGAATAATGACAGCAGATACTTCCTCTTGTTTTCGTTTTAAAGTAGTA-3'

ClinVar aggregate classification (germline): Likely pathogenic (1 of 4 stars; one submission).

Conditions:
Early-infantile DEE. Also called: Early infantile epileptic encephalopathy; Ohtahara syndrome; Early infantile epileptic encephalopathy with suppression bursts. Identifiers: Orphanet 1934, MedGen C0393706, MONDO:0800491.

Submission:

Labcorp Genetics (formerly Invitae), Labcorp
Classification: Likely pathogenic for Early-infantile DEE. Last evaluated: 2019-07-26. Review status: criteria provided, single submitter. Criteria: Invitae Variant Classification Sherloc (09022015). Collection method: clinical testing. Allele origin: germline.
Comment: In summary, the currently available evidence indicates that the variant is pathogenic, but additional data are needed to prove that conclusively. Therefore, this variant has been classified as Likely Pathogenic. Algorithms developed to predict the effect of sequence changes on RNA splicing suggest that this variant may create or strengthen a splice site, but this prediction has not been confirmed by published transcriptional studies. This variant has been observed to be de novo in an individual affected with SCN1A-related condition (Invitae). This variant is reported as two separate entries in the ExAC population database (c.5781A>T, absent and c.5782C>G, 0.6%). This variant, c.5781_5782delinsTG, is a complex sequence change that results in the deletion of 2 amino acids and insertion of 2 amino acids in the SCN1A protein (p.Arg1927_Arg1928delinsSerGly).